The following is an entry in ClinVar:

ClinVar aggregate classification (germline): Conflicting classifications of pathogenicity. Review status: criteria provided, conflicting classifications (1 of 4 stars). 6 submissions from 6 submitters: Pathogenic (1); Likely pathogenic (4); Uncertain significance (1). Last evaluated 2026-02-12.

Conditions:
Deficiency of butyryl-CoA dehydrogenase (ACADSD). Also called: ACYL-CoA DEHYDROGENASE, SHORT-CHAIN, DEFICIENCY OF; SCAD DEFICIENCY, MILD; Short-Chain Acyl-CoA Dehydrogenase Deficiency; ACADS DEFICIENCY; SCADH DEFICIENCY; SCAD Deficiency. Identifiers: Orphanet 26792, MedGen C0342783, MONDO:0008722, OMIM 201470. Disease mechanism: May be benign.

Allele frequency attached by ClinVar (database versions not stated): ESP Exome Variant Server 0.00015; TOPMed 0.00006; gnomAD 0.00004 and 0.00006; 1000 Genomes Project 0.00040; 1000 Genomes Project 30x 0.00031.
gnomAD v4.1: 39 of 1,614,194 alleles (0.0024%); highest among the groups gnomAD compares: Middle Eastern, 0.016%; no homozygotes.

Submissions (6):

GeneDx
Classification: Pathogenic. Last evaluated: 2026-02-12. Review status: criteria provided, single submitter. Criteria: GeneDx Variant Classification Process June 2021. Collection method: clinical testing. Allele origin: germline.
Comment: Published functional studies demonstrate a damaging effect as W139C severely reduced endogenous ACADS tetramer formation compared to wild type (PMID: 18523805); Not observed at significant frequency in large population cohorts (gnomAD); In silico analysis supports that this missense variant has a deleterious effect on protein structure/function; This variant is associated with the following publications: (PMID: 36207828, 25525159, 12872838, 31589614, 18523805)

Labcorp Genetics (formerly Invitae), Labcorp
Classification: Likely pathogenic for Deficiency of butyryl-CoA dehydrogenase. Last evaluated: 2025-04-30. Review status: criteria provided, single submitter. Criteria: Invitae Variant Classification Sherloc (09022015). Collection method: clinical testing. Allele origin: germline.
Comment: This sequence change replaces tryptophan, which is neutral and slightly polar, with cysteine, which is neutral and slightly polar, at codon 139 of the ACADS protein (p.Trp139Cys). This variant is present in population databases (rs149107232, gnomAD 0.01%). This missense change has been observed in individuals with short-chain acyl-coenzyme A dehydrogenase deficiency (PMID: 12872838; internal data). ClinVar contains an entry for this variant (Variation ID: 592592). Invitae Evidence Modeling of protein sequence and biophysical properties (such as structural, functional, and spatial information, amino acid conservation, physicochemical variation, residue mobility, and thermodynamic stability) indicates that this missense variant is expected to disrupt ACADS protein function with a positive predictive value of 95%. Experimental studies have shown that this missense change affects ACADS function (PMID: 12872838). In summary, the currently available evidence indicates that the variant is pathogenic, but additional data are needed to prove that conclusively. Therefore, this variant has been classified as Likely Pathogenic.

Revvity Omics, Revvity
Classification: Likely pathogenic for Deficiency of butyryl-CoA dehydrogenase. Last evaluated: 2024-10-28. Review status: criteria provided, single submitter. Criteria: ACMG Guidelines, 2015. Collection method: clinical testing. Allele origin: germline.

Fulgent Genetics
Classification: Likely pathogenic for Deficiency of butyryl-CoA dehydrogenase. Last evaluated: 2024-04-29. Review status: criteria provided, single submitter. Criteria: ACMG Guidelines, 2015. Collection method: clinical testing. Allele origin: germline.

Genome-Nilou Lab
Classification: Uncertain significance for Deficiency of butyryl-CoA dehydrogenase. Last evaluated: 2021-11-07. Review status: criteria provided, single submitter. Criteria: ACMG Guidelines, 2015. Collection method: clinical testing. Allele origin: germline. Affected: no.

Eurofins Ntd Llc (ga)
Classification: Likely pathogenic. Last evaluated: 2017-10-06. Review status: criteria provided, single submitter. Criteria: EGL Classification Definitions 2015. Collection method: clinical testing. Allele origin: germline. Observed: 1 variant allele, 1 heterozygote.

Literature cited by the submitters: PubMed 12872838 (cited by Labcorp Genetics (formerly Invitae), Labcorp).

NM_000017.4(ACADS):c.417G>C (p.Trp139Cys)

Gene: ACADS (acyl-CoA dehydrogenase short chain; plus strand). Cytogenetic location: 12q24.31.
Variant type: single nucleotide variant.
Coding change: c.417G>C on transcript NM_000017.4 (MANE Select); coding-DNA position 417, G replaced by C.
Protein change: p.Trp139Cys; replaces tryptophan 139 with cysteine.
Molecular consequence: missense variant.
Genome position (GRCh38, 1-based): chr12:120,737,412, G>C. VCF-style: chr12-120737412-G-C. GRCh37 (hg19) VCF-style: chr12-121175215-G-C.
Other names: c.417G>C, p.Trp139Cys (NM_001302554.2); c.417G>C (NM_000017.2); short protein forms W139C.
Identifiers: ClinVar variation 592592 (VCV000592592.18), dbSNP rs149107232, ClinGen allele CA6830880.